The following is an entry in ClinVar:

ClinVar aggregate classification (germline): Likely benign (0 of 4 stars; one submission).

Conditions:
KIF26B-related disorder. Also called: KIF26B-related condition.

Allele frequency attached by ClinVar (database versions not stated): gnomAD 0.00044; ESP Exome Variant Server 0.00048; TOPMed 0.00058; gnomAD exomes 0.00073; ExAC 0.00088; 1000 Genomes Project 30x 0.00094; 1000 Genomes Project 0.00100.
gnomAD v4.1: 1,134 of 1,613,834 alleles (0.07%); highest among the groups gnomAD compares: Middle Eastern, 0.31%; 5 homozygotes.

Submission:

PreventionGenetics, part of Exact Sciences
Classification: Likely benign for KIF26B-related condition. Last evaluated: 2022-04-12. Review status: no assertion criteria provided. Collection method: clinical testing. Allele origin: germline.
Comment: This variant is classified as likely benign based on ACMG/AMP sequence variant interpretation guidelines (Richards et al. 2015 PMID: 25741868, with internal and published modifications).

NM_018012.4(KIF26B):c.2003A>G (p.Gln668Arg)

Gene: KIF26B (kinesin family member 26B; plus strand). Cytogenetic location: 1q44.
Variant type: single nucleotide variant.
Coding change: c.2003A>G on transcript NM_018012.4 (MANE Select); coding-DNA position 2003, A replaced by G.
Protein change: p.Gln668Arg; replaces glutamine 668 with arginine.
Molecular consequence: missense variant.
Genome position (GRCh38, 1-based): chr1:245,611,881, A>G. VCF-style: chr1-245611881-A-G. GRCh37 (hg19) VCF-style: chr1-245775183-A-G.
Other names: short protein forms Q668R.
Identifiers: ClinVar variation 3039333 (VCV003039333.2), dbSNP rs199839162, ClinGen allele CA1487841.